The following is an entry in ClinVar:

ClinVar aggregate classification (germline): Uncertain significance. Review status: criteria provided, multiple submitters, no conflicts (2 of 4 stars). 2 submissions from 2 submitters: Uncertain significance (2). Last evaluated 2025-05-14.

Allele frequency attached by ClinVar (database versions not stated): gnomAD exomes below 0.00001; TOPMed 0.00001.
gnomAD v4.1: 4 of 1,611,342 alleles (0.00025%); highest among the groups gnomAD compares: Non-Finnish European, 0.00025%; no homozygotes.

Submissions (2):

Labcorp Genetics (formerly Invitae), Labcorp
Classification: Uncertain significance. Last evaluated: 2025-05-14. Review status: criteria provided, single submitter. Criteria: Invitae Variant Classification Sherloc (09022015). Collection method: clinical testing. Allele origin: germline.
Comment: This sequence change falls in intron 12 of the LZTR1 gene. It does not directly change the encoded amino acid sequence of the LZTR1 protein. It affects a nucleotide within the consensus splice site. This variant is not present in population databases (gnomAD no frequency). This variant has not been reported in the literature in individuals affected with LZTR1-related conditions. ClinVar contains an entry for this variant (Variation ID: 2726277). Variants that disrupt the consensus splice site are a relatively common cause of aberrant splicing (PMID: 17576681, 9536098). Algorithms developed to predict the effect of sequence changes on RNA splicing suggest that this variant may disrupt the consensus splice site. In summary, the available evidence is currently insufficient to determine the role of this variant in disease. Therefore, it has been classified as a Variant of Uncertain Significance.

GeneDx
Classification: Uncertain significance. Last evaluated: 2023-07-27. Review status: criteria provided, single submitter. Criteria: GeneDx Variant Classification Process June 2021. Collection method: clinical testing. Allele origin: germline. Affected: yes.
Comment: Not observed at significant frequency in large population cohorts (gnomAD); Has not been previously published as pathogenic or benign to our knowledge; In silico analysis is inconclusive as to whether the variant alters gene splicing. In the absence of RNA/functional studies, the actual effect of this sequence change is unknown

Literature cited by the submitters: PubMed 17576681 (cited by Labcorp Genetics (formerly Invitae), Labcorp); PubMed 9536098 (cited by Labcorp Genetics (formerly Invitae), Labcorp).

NM_006767.4(LZTR1):c.1353+6T>G

Gene: LZTR1 (leucine zipper like post translational regulator 1; plus strand). Cytogenetic location: 22q11.21.
Variant type: single nucleotide variant.
Coding change: c.1353+6T>G on transcript NM_006767.4 (MANE Select); 6 bases into the intron after coding-DNA position 1353, T replaced by G.
Molecular consequence: intron variant.
Genome position (GRCh38, 1-based): chr22:20,993,760, T>G. VCF-style: chr22-20993760-T-G. GRCh37 (hg19) VCF-style: chr22-21348049-T-G.
Identifiers: ClinVar variation 2726277 (VCV002726277.4), dbSNP rs1924691422, ClinGen allele CA2396641715.